The following is an entry in ClinVar:

ClinVar aggregate classification (germline): Likely pathogenic. Review status: criteria provided, multiple submitters, no conflicts (2 of 4 stars). 2 submissions from 2 submitters: Likely pathogenic (2). Last evaluated 2025-12-14.

Conditions:
Ellis-van Creveld syndrome (EVC). Also called: EVC-Related Ellis-van Creveld Syndrome; EVC2-Related Ellis-van Creveld Syndrome; Chondroectodermal dysplasia; MESOECTODERMAL DYSPLASIA. Identifiers: Orphanet 289, MedGen C0013903, MONDO:0009162, OMIM 225500.
Curry-Hall syndrome (WAD). Also called: WEYERS ACRODENTAL DYSOSTOSIS. Identifiers: Orphanet 952, MedGen C0457013, MONDO:0008673, OMIM 193530.

Submissions (2):

Labcorp Genetics (formerly Invitae), Labcorp
Classification: Likely pathogenic for Curry-Hall syndrome; Ellis-van Creveld syndrome. Last evaluated: 2025-12-14. Review status: criteria provided, single submitter. Criteria: Invitae Variant Classification Sherloc (09022015). Collection method: clinical testing. Allele origin: germline.
Comment: This variant results in the deletion of part of exon 1 (c.222_228+21del) of the EVC2 gene. It is expected to disrupt RNA splicing. Variants that disrupt the donor or acceptor splice site typically lead to a loss of protein function (PMID: 16199547), and loss-of-function variants in EVC2 are known to be pathogenic (PMID: 17024374, 19810119, 19876929). This variant is present in population databases (no rsID available, gnomAD 0.007%). This variant has not been reported in the literature in individuals affected with EVC2-related conditions. ClinVar contains an entry for this variant (Variation ID: 1120123). In summary, the currently available evidence indicates that the variant is pathogenic, but additional data are needed to prove that conclusively. Therefore, this variant has been classified as Likely Pathogenic.

Laboratory for Molecular Medicine, Mass General Brigham Personalized Medicine
Classification: Likely pathogenic for Ellis-van Creveld syndrome. Last evaluated: 2020-06-09. Review status: criteria provided, single submitter. Criteria: LMM Criteria. Collection method: clinical testing. Allele origin: germline. Inheritance: Autosomal recessive inheritance. Observed: 1 variant allele.
Comment: The c.222_228+21del variant in EVC2 has not been reported in individuals with Ellis-van Creveld syndrome but has been identified in 1/15414 of European chromosomes by gnomAD. This variant is a deletion of 27 nucleotides that encompasses the 5' canonical splice site (+/- 1,2) (exon1 in NM_147127.4) and is predicted to cause altered splicing leading to an abnormal or absent protein. Loss of function of the EVC2 gene is an established disease mechanism in autosomal recessive Ellis-van Creveld syndrome. In summary, although additional studies are required to fully establish its clinical significance, this variant meets criteria to be classified as likely pathogenic for autosomal recessive Ellis-van Creveld syndrome. ACMG/AMP Criteria applied: PVS1_Strong, PM2

Literature cited by the submitters: PubMed 16199547 (cited by Labcorp Genetics (formerly Invitae), Labcorp); PubMed 17024374 (cited by Labcorp Genetics (formerly Invitae), Labcorp); PubMed 19810119 (cited by Labcorp Genetics (formerly Invitae), Labcorp); PubMed 19876929 (cited by Labcorp Genetics (formerly Invitae), Labcorp).

NM_147127.5(EVC2):c.222_228+21del

Gene: EVC2 (EvC ciliary complex subunit 2; minus strand). Cytogenetic location: 4p16.2.
Variant type: Deletion.
Coding change: c.222_228+21del on transcript NM_147127.5 (MANE Select); coding-DNA position 222 through 21 bases into the intron after coding-DNA position 228, 28 bases deleted (CACGCAGGTAAGGAGGGCCCGACCCCAG).
Molecular consequence: splice donor variant. On other transcripts: intron variant (1).
Genome position (GRCh38, 1-based): chr4:5,708,265-5,708,292, CTGGGGTCGGGCCCTCCTTACCTGCGTG deleted on the plus strand (CACGCAGGTAAGGAGGGCCCGACCCCAG on the coding strand, the reverse complement: EVC2 is on the minus strand); deleting any 28 consecutive bases within chr4:5,708,265-5,708,295 gives the same sequence; the c. name uses the placement nearest the transcript's 3' end. VCF-style (leftmost placement, unchanged base first): chr4-5708264-CCTGGGGTCGGGCCCTCCTTACCTGCGTG-C. GRCh37 (hg19) VCF-style: chr4-5709991-CCTGGGGTCGGGCCCTCCTTACCTGCGTG-C.
Other names: c.-13+537_-13+564del (NM_001166136.2).
Identifiers: ClinVar variation 1120123 (VCV001120123.9), dbSNP rs1484464278, ClinGen allele CA549402214.